The following is an entry in ClinVar:

NM_001038603.3(MARVELD2):c.273A>T (p.Arg91Ser)

Gene: MARVELD2 (MARVEL domain containing 2; plus strand). Cytogenetic location: 5q13.2.
Variant type: single nucleotide variant.
Coding change: c.273A>T on transcript NM_001038603.3 (MANE Select); coding-DNA position 273, A replaced by T.
Protein change: p.Arg91Ser; replaces arginine 91 with serine.
Molecular consequence: missense variant.
Genome position (GRCh38, 1-based): chr5:69,419,658, A>T. VCF-style: chr5-69419658-A-T. GRCh37 (hg19) VCF-style: chr5-68715485-A-T.
Other names: c.273A>T, p.Arg91Ser (NM_001244734.2); short protein forms R91S.
Identifiers: ClinVar variation 908016 (VCV000908016.12), dbSNP rs202188305, ClinGen allele CA3294009.

ClinVar aggregate classification (germline): Conflicting classifications of pathogenicity. Review status: criteria provided, conflicting classifications (1 of 4 stars). 5 submissions from 5 submitters: Uncertain significance (4); Likely benign (1). Last evaluated 2026-01-20.

Conditions:
Autosomal recessive nonsyndromic hearing loss 49. Also called: Deafness, neurosensory, autosomal recessive 49. Identifiers: Orphanet 90636, MedGen C1857811, MONDO:0012420, OMIM 610153.
MARVELD2-related disorder. Also called: MARVELD2-related condition.
Inborn genetic diseases. Identifiers: MedGen C0950123, MeSH D030342.

Allele frequency attached by ClinVar (database versions not stated): gnomAD 0.00004 and 0.00005; TOPMed 0.00004; ExAC 0.00005; gnomAD exomes 0.00007 and 0.00013; 1000 Genomes Project 30x 0.00016; 1000 Genomes Project 0.00020.
gnomAD v4.1: 48 of 1,614,168 alleles (0.003%); highest among the groups gnomAD compares: Admixed American, 0.08%; no homozygotes.

Submissions (5):

PreventionGenetics, part of Exact Sciences
Classification: Uncertain significance for MARVELD2-related condition. Last evaluated: 2026-01-20. Review status: criteria provided, single submitter. Criteria: ACMG Guidelines, 2015. Collection method: clinical testing. Allele origin: germline.
Comment: The MARVELD2 c.273A>T variant is predicted to result in the amino acid substitution p.Arg91Ser. To our knowledge, this variant has not been reported in the literature. This variant is reported in 0.093% of alleles in individuals of Latino descent in gnomAD. Although we suspect that this variant may be benign, at this time, the clinical significance of this variant is uncertain due to the absence of conclusive functional and genetic evidence.

Ambry Genetics
Classification: Uncertain significance for Inborn genetic diseases. Last evaluated: 2025-06-07. Review status: criteria provided, single submitter. Criteria: Ambry Variant Classification Scheme 2023. Collection method: clinical testing. Allele origin: germline.

Labcorp Genetics (formerly Invitae), Labcorp
Classification: Uncertain significance. Last evaluated: 2024-12-02. Review status: criteria provided, single submitter. Criteria: Invitae Variant Classification Sherloc (09022015). Collection method: clinical testing. Allele origin: germline.
Comment: This sequence change replaces arginine, which is basic and polar, with serine, which is neutral and polar, at codon 91 of the MARVELD2 protein (p.Arg91Ser). This variant is present in population databases (rs202188305, gnomAD 0.1%). This variant has not been reported in the literature in individuals affected with MARVELD2-related conditions. ClinVar contains an entry for this variant (Variation ID: 908016). Invitae Evidence Modeling of protein sequence and biophysical properties (such as structural, functional, and spatial information, amino acid conservation, physicochemical variation, residue mobility, and thermodynamic stability) indicates that this missense variant is not expected to disrupt MARVELD2 protein function with a negative predictive value of 80%. In summary, the available evidence is currently insufficient to determine the role of this variant in disease. Therefore, it has been classified as a Variant of Uncertain Significance.

GeneDx
Classification: Likely benign. Last evaluated: 2020-04-03. Review status: criteria provided, single submitter. Criteria: GeneDx Variant Classification Process June 2021. Collection method: clinical testing. Allele origin: germline. Affected: yes.

Illumina Laboratory Services, Illumina
Classification: Uncertain significance for Autosomal recessive nonsyndromic hearing loss 49. Last evaluated: 2018-01-13. Review status: criteria provided, single submitter. Criteria: ICSL Variant Classification Criteria 13 December 2019. Collection method: clinical testing. Allele origin: germline.